The following is an entry in ClinVar:

ClinVar aggregate classification (germline): Uncertain significance. Review status: criteria provided, multiple submitters, no conflicts (2 of 4 stars). 2 submissions from 2 submitters: Uncertain significance (2). Last evaluated 2024-03-19.

Conditions:
Hereditary diffuse gastric adenocarcinoma (HDGC). Also called: DIFFUSE GASTRIC AND LOBULAR BREAST CANCER SYNDROME. Identifiers: Orphanet 26106, MedGen C1708349, MONDO:0007648, OMIM 137215.
Hereditary cancer-predisposing syndrome. Also called: Hereditary Cancer Syndrome; Hereditary neoplastic syndrome; Tumor predisposition; Neoplastic Syndromes, Hereditary. Identifiers: Orphanet 140162, MedGen C0027672, MeSH D009386, MONDO:0015356.

Submissions (2):

Labcorp Genetics (formerly Invitae), Labcorp
Classification: Uncertain significance for Hereditary diffuse gastric adenocarcinoma. Last evaluated: 2024-03-19. Review status: criteria provided, single submitter. Criteria: Invitae Variant Classification Sherloc (09022015). Collection method: clinical testing. Allele origin: germline.
Comment: This sequence change falls in intron 14 of the CDH1 gene. It does not directly change the encoded amino acid sequence of the CDH1 protein. It affects a nucleotide within the consensus splice site. This variant is not present in population databases (gnomAD no frequency). This variant has not been reported in the literature in individuals affected with CDH1-related conditions. Variants that disrupt the consensus splice site are a relatively common cause of aberrant splicing (PMID: 17576681, 9536098). Algorithms developed to predict the effect of sequence changes on RNA splicing suggest that this variant may disrupt the consensus splice site. In summary, the available evidence is currently insufficient to determine the role of this variant in disease. Therefore, it has been classified as a Variant of Uncertain Significance.

Color Diagnostics, LLC DBA Color Health
Classification: Uncertain significance for Hereditary cancer-predisposing syndrome. Last evaluated: 2022-07-08. Review status: criteria provided, single submitter. Criteria: ACMG Guidelines, 2015. Collection method: clinical testing. Allele origin: germline.
Comment: This variant causes a G to C nucleotide substitution at the +5 position of intron 14 of the CDH1 gene. Splice site prediction tools predict that this variant may have a significant impact on RNA splicing. Although this prediction has not been confirmed in published RNA studies, this variant is expected to result in an absent or disrupted protein product. To our knowledge, functional studies have not been reported for this variant. This variant has not been reported in individuals affected with hereditary cancer in the literature. This variant has not been identified in the general population by the Genome Aggregation Database (gnomAD). The available evidence is insufficient to determine the role of this variant in disease conclusively. Therefore, this variant is classified as a Variant of Uncertain Significance.

Literature cited by the submitters: PubMed 17576681 (cited by Labcorp Genetics (formerly Invitae), Labcorp); PubMed 9536098 (cited by Labcorp Genetics (formerly Invitae), Labcorp).

NM_004360.5(CDH1):c.2295+5G>C

Gene: CDH1 (cadherin 1; plus strand). Cytogenetic location: 16q22.1.
Variant type: single nucleotide variant.
Coding change: c.2295+5G>C on transcript NM_004360.5 (MANE Select); 5 bases into the intron after coding-DNA position 2295, G replaced by C.
Molecular consequence: intron variant.
Genome position (GRCh38, 1-based): chr16:68,828,309, G>C. VCF-style: chr16-68828309-G-C. GRCh37 (hg19) VCF-style: chr16-68862212-G-C.
Other names: c.747+5G>C (NM_001317185.2); c.330+5G>C (NM_001317186.2); c.2112+5G>C (NM_001317184.2).
Identifiers: ClinVar variation 2775044 (VCV002775044.4), dbSNP rs2152141606, ClinGen allele CA2697552000.